The following is an entry in ClinVar:

NM_002485.5(NBN):c.1042G>T (p.Val348Phe)

Gene: NBN (nibrin; minus strand). Cytogenetic location: 8q21.3.
Variant type: single nucleotide variant.
Coding change: c.1042G>T on transcript NM_002485.5 (MANE Select); coding-DNA position 1042, G replaced by T.
Protein change: p.Val348Phe; replaces valine 348 with phenylalanine.
Molecular consequence: missense variant.
Genome position (GRCh38, 1-based): chr8:89,958,807, C>A on the plus strand (G>T on the coding strand, the complement: NBN is on the minus strand). VCF-style: chr8-89958807-C-A. GRCh37 (hg19) VCF-style: chr8-90971035-C-A.
Other names: c.796G>T, p.Val266Phe (NM_001024688.3); short protein forms V266F, V348F.
Identifiers: ClinVar variation 2811156 (VCV002811156.3), dbSNP rs1586065979, ClinGen allele CA371656730.

ClinVar aggregate classification (germline): Uncertain significance (1 of 4 stars; one submission).

Conditions:
Microcephaly, normal intelligence and immunodeficiency (NBS). Also called: BERLIN BREAKAGE SYNDROME; Ataxia telangiectasia variant V1; Immunodeficiency, microcephaly with normal intelligence; IMMUNODEFICIENCY, MICROCEPHALY, AND CHROMOSOMAL INSTABILITY; SEEMANOVA SYNDROME II; Nijmegen breakage syndrome. Identifiers: Orphanet 647, MedGen C0398791, MONDO:0009623, OMIM 251260.

Submission:

Labcorp Genetics (formerly Invitae), Labcorp
Classification: Uncertain significance for Microcephaly, normal intelligence and immunodeficiency. Last evaluated: 2022-11-01. Review status: criteria provided, single submitter. Criteria: Invitae Variant Classification Sherloc (09022015). Collection method: clinical testing. Allele origin: germline.
Comment: This sequence change replaces valine, which is neutral and non-polar, with phenylalanine, which is neutral and non-polar, at codon 348 of the NBN protein (p.Val348Phe). This variant is not present in population databases (gnomAD no frequency). This variant has not been reported in the literature in individuals affected with NBN-related conditions. Algorithms developed to predict the effect of missense changes on protein structure and function output the following: SIFT: "Deleterious"; PolyPhen-2: "Benign"; Align-GVGD: "Class C0". The phenylalanine amino acid residue is found in multiple mammalian species, which suggests that this missense change does not adversely affect protein function. In summary, the available evidence is currently insufficient to determine the role of this variant in disease. Therefore, it has been classified as a Variant of Uncertain Significance.